The following is an entry in ClinVar:

ClinVar aggregate classification (germline): Uncertain significance (1 of 4 stars; one submission).

Conditions:
Charcot-Marie-Tooth disease type 4. Also called: Charcot-Marie-Tooth, Type 4; Charcot-Marie-Tooth disease, type IV. Identifiers: Orphanet 64749, MedGen C4082197, MONDO:0018995.

Submission:

Labcorp Genetics (formerly Invitae), Labcorp
Classification: Uncertain significance for Charcot-Marie-Tooth disease type 4. Last evaluated: 2022-11-15. Review status: criteria provided, single submitter. Criteria: Invitae Variant Classification Sherloc (09022015). Collection method: clinical testing. Allele origin: germline.
Comment: In summary, the available evidence is currently insufficient to determine the role of this variant in disease. Therefore, it has been classified as a Variant of Uncertain Significance. This sequence change falls in intron 4 of the FIG4 gene. It does not directly change the encoded amino acid sequence of the FIG4 protein. Information on the frequency of this variant in the gnomAD database is not available, as this variant may be reported differently in the database. This variant has not been reported in the literature in individuals affected with FIG4-related conditions. Experimental studies and prediction algorithms are not available or were not evaluated, and the functional significance of this variant is currently unknown.

NM_014845.6(FIG4):c.447-565_447-564inv

Gene: FIG4 (FIG4 phosphoinositide 5-phosphatase; plus strand). Cytogenetic location: 6q21.
Variant type: Inversion.
Coding change: c.447-565_447-564inv on transcript NM_014845.6 (MANE Select).
Molecular consequence: intron variant.
Genome position: GRCh38 VCF-style: chr6-109732072-GT-AC. GRCh37 (hg19) VCF-style: chr6-110053275-GT-AC.
Identifiers: ClinVar variation 2025321 (VCV002025321.4), ClinGen allele CA2580074757.